The following is an entry in ClinVar:

ClinVar aggregate classification (germline): Benign/Likely benign. Review status: criteria provided, multiple submitters, no conflicts (2 of 4 stars). 11 submissions from 10 submitters: Benign (6); Likely benign (3). 2 of the submissions do not count toward it. Last evaluated 2026-02-04.

Conditions:
Congenital myotonia, autosomal recessive form. Also called: myotonia congenita, autosomal recessive; BECKER DISEASE; Becker Generalized Myotonia. Identifiers: Orphanet 614, MedGen C0751360, MONDO:0009715, OMIM 255700.
Congenital myotonia, autosomal dominant form (THD). Also called: THOMSEN DISEASE; Myotonia congenita autosomal dominant. Identifiers: Orphanet 614, MedGen C2936781, MONDO:0008055, OMIM 160800.

Allele frequency attached by ClinVar (database versions not stated): gnomAD exomes 0.97596 and 0.98522; ESP Exome Variant Server 0.98185; gnomAD 0.98349 and 0.98433; TOPMed 0.98493; ExAC 0.98607; 1000 Genomes Project 0.99361; 1000 Genomes Project 30x 0.99375.
gnomAD v4.1: 1,576,223 of 1,613,664 alleles (98%); highest among the groups gnomAD compares: East Asian, 100%; 769,979 homozygotes.

Submissions (11):

Labcorp Genetics (formerly Invitae), Labcorp
Classification: Benign for Congenital myotonia, autosomal recessive form; Congenital myotonia, autosomal dominant form. Last evaluated: 2026-02-04. Review status: criteria provided, single submitter. Criteria: Invitae Variant Classification Sherloc (09022015). Collection method: clinical testing. Allele origin: germline.

Women's Health and Genetics/Laboratory Corporation of America, LabCorp
Classification: Benign. Last evaluated: 2025-07-25. Review status: criteria provided, single submitter. Criteria: LabCorp Variant Classification Summary - May 2015. Collection method: clinical testing. Allele origin: germline.

Mayo Clinic Laboratories, Mayo Clinic
Classification: Likely benign. Last evaluated: 2025-05-20. Review status: criteria provided, single submitter. Criteria: ACMG Guidelines, 2015. Collection method: clinical testing. Allele origin: germline. Observed: 563 variant alleles.

Blueprint Genetics
Classification: Likely benign. Last evaluated: 2024-11-27. Review status: criteria provided, single submitter. Criteria: ACMG Guidelines, 2015. Collection method: clinical testing. Allele origin: germline.

Genome-Nilou Lab
Classification: Benign for Congenital myotonia, autosomal dominant form. Last evaluated: 2021-07-22. Review status: criteria provided, single submitter. Criteria: ACMG Guidelines, 2015. Collection method: clinical testing. Allele origin: germline. Affected: no.

Genome-Nilou Lab
Classification: Benign for Congenital myotonia, autosomal recessive form. Last evaluated: 2021-07-22. Review status: criteria provided, single submitter. Criteria: ACMG Guidelines, 2015. Collection method: clinical testing. Allele origin: germline. Affected: no.

Mendelics
Classification: Benign for Congenital myotonia, autosomal recessive form. Last evaluated: 2019-05-28. Review status: criteria provided, single submitter. Criteria: Mendelics Assertion Criteria 2017. Collection method: clinical testing. Allele origin: unknown.

Breakthrough Genomics
Classification: Benign. Review status: criteria provided, single submitter. Criteria: ACMG Guidelines, 2015. Collection method: not provided. Allele origin: germline. Inheritance: Autosomal recessive inheritance. Affected: yes.

Department Of Human Genetics, Institute Of Clinical And Translational Research, Biomedical Research Center, Slovak Academy Of Sciences
Classification: Likely benign for Congenital myotonia, autosomal recessive form; Congenital myotonia, autosomal dominant form. Review status: criteria provided, single submitter. Criteria: ACMG Guidelines, 2015. Collection method: research. Allele origin: germline. Inheritance: Autosomal unknown. Affected: yes. Observed: 30 variant alleles.
Comment: Almost all patients from our cohort were homozygous for this variant c.352G>T (p.(Gly118Trp)), indicating that T represents a wild-type allele. Only according to the publication PMID: 23152584, c.352G>T variant can have a weak effect.

Diagnostic Laboratory, Department of Genetics, University Medical Center Groningen
Classification: Benign. Review status: no assertion criteria provided. Collection method: clinical testing. Allele origin: germline. Affected: yes. Study: VKGL Data-share Consensus. Not counted in ClinVar's aggregate classification.

Genome Diagnostics Laboratory, University Medical Center Utrecht
Classification: Benign. Review status: no assertion criteria provided. Collection method: clinical testing. Allele origin: germline. Affected: yes. Study: VKGL Data-share Consensus. Not counted in ClinVar's aggregate classification.

Literature cited by the submitters: PubMed 11933197 (cited by Mayo Clinic Laboratories, Mayo Clinic); PubMed 16075040 (cited by Mayo Clinic Laboratories, Mayo Clinic); PubMed 18579381 (cited by Mayo Clinic Laboratories, Mayo Clinic); PubMed 23152584 (cited by Mayo Clinic Laboratories, Mayo Clinic); PubMed 23408874 (cited by Mayo Clinic Laboratories, Mayo Clinic); PubMed 27884173 (cited by Mayo Clinic Laboratories, Mayo Clinic); PubMed 28427807 (cited by Mayo Clinic Laboratories, Mayo Clinic); PubMed 32010054 (cited by Mayo Clinic Laboratories, Mayo Clinic); PubMed 33573884 (cited by Mayo Clinic Laboratories, Mayo Clinic); PubMed 33670307 (cited by Mayo Clinic Laboratories, Mayo Clinic); PubMed 36659963 (cited by Mayo Clinic Laboratories, Mayo Clinic); PubMed 38055022 (cited by Mayo Clinic Laboratories, Mayo Clinic); PubMed 39712484 (cited by Mayo Clinic Laboratories, Mayo Clinic).

NM_000083.3(CLCN1):c.352G>T (p.Gly118Trp)

Gene: CLCN1 (chloride voltage-gated channel 1; plus strand). Cytogenetic location: 7q34.
Variant type: single nucleotide variant.
Coding change: c.352G>T on transcript NM_000083.3 (MANE Select); coding-DNA position 352, G replaced by T.
Protein change: p.Gly118Trp; replaces glycine 118 with tryptophan.
Molecular consequence: missense variant. On other transcripts: non-coding transcript variant (1).
Genome position (GRCh38, 1-based): chr7:143,320,714, G>T. VCF-style: chr7-143320714-G-T. GRCh37 (hg19) VCF-style: chr7-143017807-G-T.
Other names: p.Gly118Trp; short protein forms G118W.
Identifiers: ClinVar variation 802378 (VCV000802378.22), dbSNP rs10282312, ClinGen allele CA4536919.